The following is an entry in ClinVar:

NM_001297.5(CNGB1):c.2844C>T (p.Leu948=)

Gene: CNGB1 (cyclic nucleotide gated channel subunit beta 1; minus strand). Cytogenetic location: 16q21.
Variant type: single nucleotide variant.
Coding change: c.2844C>T on transcript NM_001297.5 (MANE Select); coding-DNA position 2844, C replaced by T.
Protein change: p.Leu948=; no amino-acid change (leucine 948 retained).
Molecular consequence: synonymous variant.
Genome position (GRCh38, 1-based): chr16:57,901,576, G>A on the plus strand (C>T on the coding strand, the complement: CNGB1 is on the minus strand). VCF-style: chr16-57901576-G-A. GRCh37 (hg19) VCF-style: chr16-57935480-G-A.
Other names: c.2826C>T, p.Leu942= (NM_001286130.2).
Identifiers: ClinVar variation 320072 (VCV000320072.15), dbSNP rs376791249, ClinGen allele CA8082804.

ClinVar aggregate classification (germline): Conflicting classifications of pathogenicity. Review status: criteria provided, conflicting classifications (1 of 4 stars). 4 submissions from 4 submitters: Uncertain significance (1); Likely benign (2). 1 of the submissions does not count toward it. Last evaluated 2025-12-15.

Conditions:
CNGB1-related disorder. Also called: CNGB1-related condition.
Retinitis pigmentosa (RP). Identifiers: Orphanet 791, MedGen C0035334, MeSH D012174, MONDO:0019200, OMIM 268000. Inheritance: Autosomal dominant, autosomal recessive and X linked inheritance.

Allele frequency attached by ClinVar (database versions not stated): gnomAD 0.00001; gnomAD exomes 0.00001 and 0.00004; TOPMed 0.00001; ExAC 0.00002; ESP Exome Variant Server 0.00008.
gnomAD v4.1: 16 of 1,614,160 alleles (0.00099%); highest among the groups gnomAD compares: East Asian, 0.0089%; no homozygotes.

Submissions (4):

Labcorp Genetics (formerly Invitae), Labcorp
Classification: Likely benign. Last evaluated: 2025-12-15. Review status: criteria provided, single submitter. Criteria: Invitae Variant Classification Sherloc (09022015). Collection method: clinical testing. Allele origin: germline.

Blueprint Genetics
Classification: Likely benign. Last evaluated: 2022-06-10. Review status: criteria provided, single submitter. Criteria: ACMG Guidelines, 2015. Collection method: clinical testing. Allele origin: germline.

Illumina Laboratory Services, Illumina
Classification: Uncertain significance for Retinitis pigmentosa. Last evaluated: 2018-01-13. Review status: criteria provided, single submitter. Criteria: ICSL Variant Classification Criteria 13 December 2019. Collection method: clinical testing. Allele origin: germline.

PreventionGenetics, part of Exact Sciences
Classification: Likely benign for CNGB1-related condition. Last evaluated: 2019-04-09. Review status: no assertion criteria provided. Collection method: clinical testing. Allele origin: germline. Not counted in ClinVar's aggregate classification.
Comment: This variant is classified as likely benign based on ACMG/AMP sequence variant interpretation guidelines (Richards et al. 2015 PMID: 25741868, with internal and published modifications).